The following is an entry in ClinVar:

NM_020928.2(ZSWIM6):c.1838-3C>T

Gene: ZSWIM6 (zinc finger SWIM-type containing 6; plus strand). Cytogenetic location: 5q12.1.
Variant type: single nucleotide variant.
Coding change: c.1838-3C>T on transcript NM_020928.2 (MANE Select); 3 bases into the intron before coding-DNA position 1838, C replaced by T.
Molecular consequence: intron variant.
Genome position (GRCh38, 1-based): chr5:61,530,049, C>T. VCF-style: chr5-61530049-C-T. GRCh37 (hg19) VCF-style: chr5-60825876-C-T.
Identifiers: ClinVar variation 1495828 (VCV001495828.6), dbSNP rs368332607, ClinGen allele CA3278389.

ClinVar aggregate classification (germline): Uncertain significance (1 of 4 stars; one submission).

Allele frequency attached by ClinVar (database versions not stated): ESP Exome Variant Server 0.00022; gnomAD exomes below 0.00001 and 0.00001; TOPMed 0.00001; ExAC 0.00005.

Submission:

Labcorp Genetics (formerly Invitae), Labcorp
Classification: Uncertain significance. Last evaluated: 2022-04-19. Review status: criteria provided, single submitter. Criteria: Invitae Variant Classification Sherloc (09022015). Collection method: clinical testing. Allele origin: germline.
Comment: In summary, the available evidence is currently insufficient to determine the role of this variant in disease. Therefore, it has been classified as a Variant of Uncertain Significance. Variants that disrupt the consensus splice site are a relatively common cause of aberrant splicing (PMID: 17576681, 9536098). Algorithms developed to predict the effect of sequence changes on RNA splicing suggest that this variant is not likely to affect RNA splicing. This variant has not been reported in the literature in individuals affected with ZSWIM6-related conditions. This variant is present in population databases (rs368332607, gnomAD 0.01%). This sequence change falls in intron 7 of the ZSWIM6 gene. It does not directly change the encoded amino acid sequence of the ZSWIM6 protein. It affects a nucleotide within the consensus splice site.

Literature cited by the submitters: PubMed 17576681; PubMed 9536098.